The following is an entry in ClinVar:

NM_182493.3(MYLK3):c.1583del (p.Gln528fs)

Gene: MYLK3 (myosin light chain kinase 3; minus strand). Cytogenetic location: 16q11.2.
Variant type: Deletion.
Coding change: c.1583del on transcript NM_182493.3 (MANE Select); coding-DNA position 1583, one base deleted (A; older notation c.1583delA).
Protein change: p.Gln528fs; shifts the reading frame from glutamine 528.
Molecular consequence: frameshift variant.
Genome position (GRCh38, 1-based): chr16:46,729,673, T deleted on the plus strand (A on the coding strand, the reverse complement: MYLK3 is on the minus strand). VCF-style (leftmost placement, unchanged base first): chr16-46729672-CT-C. GRCh37 (hg19) VCF-style: chr16-46763584-CT-C.
Other names: c.560del, p.Gln187fs (NM_001308301.1); short protein forms Q528fs, Q187fs.
Identifiers: ClinVar variation 4716777 (VCV004716777.1).

ClinVar aggregate classification (germline): Uncertain significance (1 of 4 stars; one submission).

Submission:

Labcorp Genetics (formerly Invitae), Labcorp
Classification: Uncertain significance. Last evaluated: 2025-04-07. Review status: criteria provided, single submitter. Criteria: Invitae Variant Classification Sherloc (09022015). Collection method: clinical testing. Allele origin: germline.
Comment: This sequence change creates a premature translational stop signal (p.Gln528Argfs*21) in the MYLK3 gene. It is expected to result in an absent or disrupted protein product. However, the current clinical and genetic evidence is not sufficient to establish whether loss-of-function variants in MYLK3 cause disease. This variant is not present in population databases (gnomAD no frequency). This variant has not been reported in the literature in individuals affected with MYLK3-related conditions. Experimental studies and prediction algorithms are not available or were not evaluated, and the functional significance of this variant is currently unknown. In summary, the available evidence is currently insufficient to determine the role of this variant in disease. Therefore, it has been classified as a Variant of Uncertain Significance.